The following is an entry in ClinVar:

NM_000709.4(BCKDHA):c.478del (p.Glu160fs)

Gene: BCKDHA (branched chain keto acid dehydrogenase E1 subunit alpha; plus strand). Cytogenetic location: 19q13.2.
Variant type: Deletion.
Coding change: c.478del on transcript NM_000709.4 (MANE Select); coding-DNA position 478, one base deleted (G; older notation c.478delG).
Protein change: p.Glu160fs; shifts the reading frame from glutamic acid 160.
Molecular consequence: frameshift variant.
Genome position (GRCh38, 1-based): chr19:41,414,151, G deleted; the last of 3 consecutive G bases (chr19:41,414,149-41,414,151); deleting any one gives the same sequence. VCF-style (leftmost placement, unchanged base first): chr19-41414148-CG-C. GRCh37 (hg19) VCF-style: chr19-41920053-CG-C.
Other names: c.478del, p.Glu160fs (NM_001164783.2); short protein forms E160fs.
Identifiers: ClinVar variation 5014694 (VCV005014694.1).

ClinVar aggregate classification (germline): Pathogenic (1 of 4 stars; one submission).

Conditions:
Maple syrup urine disease type 1A (MSUD1A). Also called: MSUD type 1A. Identifiers: MedGen C1855369, MONDO:0023691, OMIM 248600.

Submission:

Myriad Genetics, Inc.
Classification: Pathogenic for Maple syrup urine disease type 1A. Last evaluated: 2025-07-07. Review status: criteria provided, single submitter. Criteria: Myriad Autosomal Dominant, Autosomal Recessive and X-Linked Classification Criteria (2023). Collection method: clinical testing. Allele origin: unknown.
Comment: NM_000709.3(BCKDHA):c.478delG(E160Rfs*5) is expected to be pathogenic in the context of maple syrup urine disease type Ia. This variant is predicted to lead to an abnormal or absent protein product due to the creation of a premature termination codon in BCKDHA, a gene where loss-of-function variants are known to be pathogenic. Please note: this variant was assessed in the context of healthy population screening.